The following is an entry in ClinVar:

ClinVar aggregate classification (germline): Uncertain significance. Review status: criteria provided, multiple submitters, no conflicts (2 of 4 stars). 3 submissions from 3 submitters: Uncertain significance (3). Last evaluated 2023-12-04.

Conditions:
Colorectal cancer, hereditary nonpolyposis, type 7. Identifiers: Orphanet 144, MedGen C1858380, MONDO:0013725, OMIM 614385.

Allele frequency attached by ClinVar (database versions not stated): gnomAD 0.00001; gnomAD exomes 0.00001 and 0.00005; TOPMed 0.00001.
gnomAD v4.1: 67 of 1,612,858 alleles (0.0042%); highest among the groups gnomAD compares: Non-Finnish European, 0.0056%; no homozygotes.

Submissions (3):

Ambry Genetics
Classification: Uncertain significance. Last evaluated: 2023-12-04. Review status: criteria provided, single submitter. Criteria: Ambry Variant Classification Scheme 2023. Collection method: clinical testing. Allele origin: germline.
Comment: The p.T579I variant (also known as c.1736C>T), located in coding exon 1 of the MLH3 gene, results from a C to T substitution at nucleotide position 1736. The threonine at codon 579 is replaced by isoleucine, an amino acid with similar properties. This amino acid position is conserved. In addition, this alteration is predicted to be tolerated by in silico analysis. Since supporting evidence is limited at this time, the clinical significance of this alteration remains unclear.

Labcorp Genetics (formerly Invitae), Labcorp
Classification: Uncertain significance for Colorectal cancer, hereditary nonpolyposis, type 7. Last evaluated: 2023-09-30. Review status: criteria provided, single submitter. Criteria: Invitae Variant Classification Sherloc (09022015). Collection method: clinical testing. Allele origin: germline.
Comment: This sequence change replaces threonine, which is neutral and polar, with isoleucine, which is neutral and non-polar, at codon 579 of the MLH3 protein (p.Thr579Ile). This variant is present in population databases (no rsID available, gnomAD 0.003%). This variant has not been reported in the literature in individuals affected with MLH3-related conditions. ClinVar contains an entry for this variant (Variation ID: 884294). An algorithm developed to predict the effect of missense changes on protein structure and function (PolyPhen-2) suggests that this variant is likely to be tolerated. In summary, the available evidence is currently insufficient to determine the role of this variant in disease. Therefore, it has been classified as a Variant of Uncertain Significance.

Illumina Laboratory Services, Illumina
Classification: Uncertain significance for Colorectal cancer, hereditary nonpolyposis, type 7. Last evaluated: 2018-01-17. Review status: criteria provided, single submitter. Criteria: ICSL Variant Classification Criteria 13 December 2019. Collection method: clinical testing. Allele origin: germline.

NM_001040108.2(MLH3):c.1736C>T (p.Thr579Ile)

Gene: MLH3 (mutL homolog 3; minus strand). Cytogenetic location: 14q24.3.
Variant type: single nucleotide variant.
Coding change: c.1736C>T on transcript NM_001040108.2 (MANE Select); coding-DNA position 1736, C replaced by T.
Protein change: p.Thr579Ile; replaces threonine 579 with isoleucine.
Molecular consequence: missense variant.
Genome position (GRCh38, 1-based): chr14:75,047,920, G>A on the plus strand (C>T on the coding strand, the complement: MLH3 is on the minus strand). VCF-style: chr14-75047920-G-A. GRCh37 (hg19) VCF-style: chr14-75514623-G-A.
Other names: c.1736C>T, p.Thr579Ile (NM_014381.3); short protein forms T579I.
Identifiers: ClinVar variation 884294 (VCV000884294.10), dbSNP rs1479954154, ClinGen allele CA390444513.
Genomic context (GRCh38, chr14:75,047,920, plus strand): 5'-CCATAACTAAAAACATTTCTTCTTCCACAATTGCTAGATTCTTTTTTTTTCTCTTTCTCT[G>A]TCTGAGCACTATGTACTCCCCATAATGTTGTTGCAAAAGGCAGAGGCTGGCATCCCACTT-3'
Protein context (NP_001035197.1, residues 569-589): TTLWGVHSAQ[Thr579Ile]EKEKKKESSN